The following is an entry in ClinVar:

ClinVar aggregate classification (germline): Benign/Likely benign. Review status: criteria provided, multiple submitters, no conflicts (2 of 4 stars). 3 submissions from 3 submitters: Benign (1); Likely benign (1). 1 of the submissions does not count toward it. Last evaluated 2026-01-28.

Conditions:
TBCD-related disorder. Also called: TBCD-related condition.

Allele frequency attached by ClinVar (database versions not stated): gnomAD exomes 0.00069 and 0.00175; ExAC 0.00220; 1000 Genomes Project 0.00779; gnomAD 0.00806 and 0.00859; 1000 Genomes Project 30x 0.00843.
gnomAD v4.1: 2,152 of 1,501,592 alleles (0.14%); highest among the groups gnomAD compares: African/African-American, 2.7%; 20 homozygotes.

Submissions (7):

Labcorp Genetics (formerly Invitae), Labcorp
Classification: Benign. Last evaluated: 2026-01-28. Review status: criteria provided, single submitter. Criteria: Invitae Variant Classification Sherloc (09022015). Collection method: clinical testing. Allele origin: germline.

Blueprint Genetics
Classification: Likely benign. Last evaluated: 2024-11-14. Review status: criteria provided, single submitter. Criteria: ACMG Guidelines, 2015. Collection method: clinical testing. Allele origin: germline.

PreventionGenetics, part of Exact Sciences
Classification: Benign for TBCD-related condition. Last evaluated: 2024-02-02. Review status: no assertion criteria provided. Collection method: clinical testing. Allele origin: germline. Not counted in ClinVar's aggregate classification.
Comment: This variant is classified as benign based on ACMG/AMP sequence variant interpretation guidelines (Richards et al. 2015 PMID: 25741868, with internal and published modifications).

Dr. Peter K. Rogan Lab, Western University
No classification provided (evidence only). Condition: Uterine corpus endometrial carcinoma. Review status: no classification provided. Collection method: in vitro. Allele origin: not applicable. Functional consequence: retained intron. Not counted in ClinVar's aggregate classification.

Dr. Peter K. Rogan Lab, Western University
No classification provided (evidence only). Condition: Cervical cancer. Review status: no classification provided. Collection method: in vitro. Allele origin: not applicable. Functional consequence: retained intron. Not counted in ClinVar's aggregate classification.

Dr. Peter K. Rogan Lab, Western University
No classification provided (evidence only). Condition: Cervical cancer. Review status: no classification provided. Collection method: in vitro. Allele origin: not applicable. Functional consequence: retained intron. Not counted in ClinVar's aggregate classification.

Dr. Peter K. Rogan Lab, Western University
No classification provided (evidence only). Condition: Uterine corpus endometrial carcinoma. Review status: no classification provided. Collection method: in vitro. Allele origin: not applicable. Functional consequence: retained intron. Not counted in ClinVar's aggregate classification.

NM_005993.5(TBCD):c.2039-3C>T

Genes: TBCD (tubulin folding cofactor D), LOC126862673 (CDK7 strongly-dependent group 2 enhancer GRCh37_chr17:80877734-80878933; plus strand). Cytogenetic location: 17q25.3.
Variant type: single nucleotide variant.
Coding change: c.2039-3C>T on transcript NM_005993.5 (MANE Select); 3 bases into the intron before coding-DNA position 2039, C replaced by T.
Molecular consequence: intron variant.
Genome position (GRCh38, 1-based): chr17:82,920,553, C>T. VCF-style: chr17-82920553-C-T. GRCh37 (hg19) VCF-style: chr17-80878429-C-T.
Identifiers: ClinVar variation 777263 (VCV000777263.14), dbSNP rs74001732, ClinGen allele CA8862931.